The following is an entry in ClinVar:

ClinVar aggregate classification (germline): Uncertain significance (1 of 4 stars; one submission).

Submission:

CeGaT Center for Human Genetics Tuebingen
Classification: Uncertain significance. Last evaluated: 2025-07-01. Review status: criteria provided, single submitter. Criteria: CeGaT Center For Human Genetics Tuebingen Variant Classification Criteria Version 2. Collection method: clinical testing. Allele origin: germline. Affected: yes. Observed: 1 variant allele.
Comment: DNAAF3: PM2

NM_001256715.2(DNAAF3):c.367C>T (p.Arg123Cys)

Genes: DNAAF3 (dynein axonemal assembly factor 3; minus strand), DNAAF3-AS1 (DNAAF3 antisense RNA 1; plus strand). Cytogenetic location: 19q13.42.
Variant type: single nucleotide variant.
Coding change: c.367C>T on transcript NM_001256715.2 (MANE Select); coding-DNA position 367, C replaced by T.
Protein change: p.Arg123Cys; replaces arginine 123 with cysteine.
Molecular consequence: missense variant.
Genome position (GRCh38, 1-based): chr19:55,162,246, G>A on the plus strand (C>T on the coding strand, the complement: DNAAF3 is on the minus strand). VCF-style: chr19-55162246-G-A. GRCh37 (hg19) VCF-style: chr19-55673614-G-A.
Other names: c.571C>T, p.Arg191Cys (NM_001256714.1); c.205C>T, p.Arg69Cys (NM_001256716.2); c.508C>T, p.Arg170Cys (NM_178837.4); short protein forms R123C, R170C, R191C, R69C.
Identifiers: ClinVar variation 4085435 (VCV004085435.8).